The following is an entry in ClinVar:

NM_000260.4(MYO7A):c.2928G>A (p.Glu976=)

Gene: MYO7A (myosin VIIA; plus strand). Cytogenetic location: 11q13.5.
Variant type: single nucleotide variant.
Coding change: c.2928G>A on transcript NM_000260.4 (MANE Select); coding-DNA position 2928, G replaced by A.
Protein change: p.Glu976=; no amino-acid change (glutamic acid 976 retained).
Molecular consequence: synonymous variant.
Genome position (GRCh38, 1-based): chr11:77,181,974, G>A. VCF-style: chr11-77181974-G-A. GRCh37 (hg19) VCF-style: chr11-76893020-G-A.
Other names: c.2928G>A, p.Glu976= (NM_001127180.2); c.2895G>A, p.Glu965= (NM_001369365.1).
Identifiers: ClinVar variation 504645 (VCV000504645.14), dbSNP rs372223659, ClinGen allele CA6197979.

ClinVar aggregate classification (germline): Likely benign. Review status: criteria provided, multiple submitters, no conflicts (2 of 4 stars). 4 submissions from 4 submitters: Likely benign (4). Last evaluated 2026-04-20.

Conditions:
MYO7A-related disorder. Also called: MYO7A-related disorders.

Allele frequency attached by ClinVar (database versions not stated): gnomAD exomes 0.00001 and 0.00004; ExAC 0.00006; TOPMed 0.00009; gnomAD 0.00012 and 0.00013; ESP Exome Variant Server 0.00024.
gnomAD v4.1: 29 of 1,613,284 alleles (0.0018%); highest among the groups gnomAD compares: African/African-American, 0.033%; no homozygotes.

Submissions (4):

PreventionGenetics, part of Exact Sciences
Classification: Likely benign for MYO7A-related condition. Last evaluated: 2026-04-20. Review status: criteria provided, single submitter. Criteria: ACMG Guidelines, 2015. Collection method: clinical testing. Allele origin: germline.
Comment: This variant is classified as likely benign based on ACMG/AMP sequence variant interpretation guidelines (Richards et al. 2015 PMID: 25741868, with internal and published modifications).

Labcorp Genetics (formerly Invitae), Labcorp
Classification: Likely benign. Last evaluated: 2024-04-02. Review status: criteria provided, single submitter. Criteria: Invitae Variant Classification Sherloc (09022015). Collection method: clinical testing. Allele origin: germline.

Blueprint Genetics
Classification: Likely benign. Last evaluated: 2023-10-27. Review status: criteria provided, single submitter. Criteria: ACMG Guidelines, 2015. Collection method: clinical testing. Allele origin: germline.

Laboratory for Molecular Medicine, Mass General Brigham Personalized Medicine
Classification: Likely benign. Last evaluated: 2012-04-30. Review status: criteria provided, single submitter. Criteria: LMM Criteria. Collection method: clinical testing. Allele origin: germline. Observed: 1 variant allele.
Comment: Glu976Glu in Exon 24 of MYO7A: This variant is not expected to have clinical sig nificance because it does not alter an amino acid residue, is not located within the splice consensus sequence, and has been identified in 0.1% (3/3580) of Afri can American chromosomes from a broad population by the NHLBI Exome Sequencing P roject.